The following is an entry in ClinVar:

NM_000334.4(SCN4A):c.5127C>A (p.Asn1709Lys)

Genes: GH-LCR (growth hormone locus control region; plus strand), SCN4A (sodium voltage-gated channel alpha subunit 4; minus strand). Cytogenetic location: 17q23.3.
Variant type: single nucleotide variant.
Coding change: c.5127C>A on transcript NM_000334.4 (MANE Select); coding-DNA position 5127, C replaced by A.
Protein change: p.Asn1709Lys; replaces asparagine 1709 with lysine.
Molecular consequence: missense variant.
Genome position (GRCh38, 1-based): chr17:63,941,155, G>T on the plus strand (C>A on the coding strand, the complement: SCN4A is on the minus strand). VCF-style: chr17-63941155-G-T. GRCh37 (hg19) VCF-style: chr17-62018515-G-T.
Other names: short protein forms N1709K.
Identifiers: ClinVar variation 645260 (VCV000645260.13), dbSNP rs1045422843, ClinGen allele CA292956520.

ClinVar aggregate classification (germline): Uncertain significance. Review status: criteria provided, multiple submitters, no conflicts (2 of 4 stars). 4 submissions from 4 submitters: Uncertain significance (4). Last evaluated 2026-01-06.

Conditions:
Inborn genetic diseases. Identifiers: MedGen C0950123, MeSH D030342.
Potassium-aggravated myotonia. Also called: MYOTONIA CONGENITA, ACETAZOLAMIDE-RESPONSIVE; MYOTONIA CONGENITA, ATYPICAL; SODIUM CHANNEL MUSCLE DISEASE; Myotonia congenita, atypical, acetazolamide-responsive. Identifiers: Orphanet 612, Orphanet 99734, Orphanet 99735, Orphanet 99736, MedGen C2931826, MONDO:0018959, OMIM 608390.
Hypokalemic periodic paralysis, type 2 (HOKPP2). Identifiers: Orphanet 681, MedGen C2750061, MONDO:0013234, OMIM 613345.
Paramyotonia congenita of Von Eulenburg. Also called: PARALYSIS PERIODICA PARAMYOTONICA; Paramyotonia Congenita; Eulenburg disease; Myotonia congenita intermittens; Von Eulenburg paramyotonia congenita. Identifiers: Orphanet 684, MedGen C0221055, MONDO:0008195, OMIM 168300. Disease mechanism: loss of function.
Hyperkalemic periodic paralysis. Also called: Familial hyperkalemic periodic paralysis; Gamstorp disease. Identifiers: Orphanet 682, MedGen C0238357, MONDO:0008224, OMIM 170500, HP:0007215.
Hypokalemic periodic paralysis, type 1. Also called: Hypokalemic Periodic Paralysis Type 1 (AD); HypoPP. Identifiers: Orphanet 681, MedGen C3714580, MONDO:0042979, OMIM 170400.
Congenital myasthenic syndrome 16. Identifiers: Orphanet 590, MedGen C3280112, MONDO:0013620, OMIM 614198.

Allele frequency attached by ClinVar (database versions not stated): TOPMed 0.00007; gnomAD 0.00005 and 0.00006.
gnomAD v4.1: 14 of 1,613,916 alleles (0.00087%); highest among the groups gnomAD compares: African/African-American, 0.015%; no homozygotes.

Submissions (4):

Labcorp Genetics (formerly Invitae), Labcorp
Classification: Uncertain significance for Hyperkalemic periodic paralysis. Last evaluated: 2026-01-06. Review status: criteria provided, single submitter. Criteria: Invitae Variant Classification Sherloc (09022015). Collection method: clinical testing. Allele origin: germline.
Comment: This sequence change replaces asparagine, which is neutral and polar, with lysine, which is basic and polar, at codon 1709 of the SCN4A protein (p.Asn1709Lys). The frequency data for this variant in the population databases is considered unreliable, as metrics indicate poor data quality at this position in the gnomAD database. This variant has not been reported in the literature in individuals affected with SCN4A-related conditions. ClinVar contains an entry for this variant (Variation ID: 645260). Invitae Evidence Modeling of protein sequence and biophysical properties (such as structural, functional, and spatial information, amino acid conservation, physicochemical variation, residue mobility, and thermodynamic stability) has been performed for this missense variant. However, the output from this modeling did not meet the statistical confidence thresholds required to predict the impact of this variant on SCN4A protein function. In summary, the available evidence is currently insufficient to determine the role of this variant in disease. Therefore, it has been classified as a Variant of Uncertain Significance.

GeneDx
Classification: Uncertain significance. Last evaluated: 2025-01-15. Review status: criteria provided, single submitter. Criteria: GeneDx Variant Classification Process June 2021. Collection method: clinical testing. Allele origin: germline. Affected: yes.
Comment: In silico analysis supports that this missense variant has a deleterious effect on protein structure/function; Has not been previously published as pathogenic or benign to our knowledge

Ambry Genetics
Classification: Uncertain significance for Inborn genetic diseases. Last evaluated: 2023-02-27. Review status: criteria provided, single submitter. Criteria: Ambry Variant Classification Scheme 2023. Collection method: clinical testing. Allele origin: germline.

Fulgent Genetics
Classification: Uncertain significance for Paramyotonia congenita of Von Eulenburg; Hypokalemic periodic paralysis, type 1; Hyperkalemic periodic paralysis; Potassium-aggravated myotonia; Hypokalemic periodic paralysis, type 2; Congenital myasthenic syndrome 16. Last evaluated: 2022-04-26. Review status: criteria provided, single submitter. Criteria: ACMG Guidelines, 2015. Collection method: clinical testing. Allele origin: unknown.